The following is an entry in ClinVar:

ClinVar aggregate classification (germline): Uncertain significance (1 of 4 stars; one submission).

Conditions:
Hereditary cancer-predisposing syndrome. Also called: Tumor predisposition; Neoplastic Syndromes, Hereditary; Hereditary neoplastic syndrome; Hereditary Cancer Syndrome. Identifiers: Orphanet 140162, MedGen C0027672, MeSH D009386, MONDO:0015356.

Submission:

Color Diagnostics, LLC DBA Color Health
Classification: Uncertain significance for Hereditary cancer-predisposing syndrome. Last evaluated: 2023-12-04. Review status: criteria provided, single submitter. Criteria: ACMG Guidelines, 2015. Collection method: clinical testing. Allele origin: germline.
Comment: This missense variant replaces serine with alanine at codon 1198 of the APC protein. Computational prediction suggests that this variant may not impact protein structure and function (internally defined REVEL score threshold <= 0.5, PMID: 27666373). To our knowledge, functional studies have not been reported for this variant. This variant has not been reported in individuals affected with APC-related disorders in the literature. This variant has not been identified in the general population by the Genome Aggregation Database (gnomAD). The available evidence is insufficient to determine the role of this variant in disease conclusively. Therefore, this variant is classified as a Variant of Uncertain Significance.

NM_000038.6(APC):c.3592T>G (p.Ser1198Ala)

Gene: APC (APC regulator of Wnt signaling pathway; plus strand). Cytogenetic location: 5q22.2.
Variant type: single nucleotide variant.
Coding change: c.3592T>G on transcript NM_000038.6 (MANE Select); coding-DNA position 3592, T replaced by G.
Protein change: p.Ser1198Ala; replaces serine 1198 with alanine.
Molecular consequence: missense variant.
Genome position (GRCh38, 1-based): chr5:112,839,186, T>G. VCF-style: chr5-112839186-T-G. GRCh37 (hg19) VCF-style: chr5-112174883-T-G.
Other names: c.3592T>G, p.Ser1198Ala (NM_001127510.3, NM_001354895.2); c.3538T>G, p.Ser1180Ala (NM_001127511.3); c.3646T>G, p.Ser1216Ala (NM_001354896.2); c.3622T>G, p.Ser1208Ala (NM_001354897.2); c.3517T>G, p.Ser1173Ala (NM_001354898.2); c.3508T>G, p.Ser1170Ala (NM_001354899.2); c.3469T>G, p.Ser1157Ala (NM_001354900.2); c.3415T>G, p.Ser1139Ala (NM_001354901.2); and 5 more; short protein forms S1180A, S1198A, S1072A, S1097A, S1157A, S1173A, S1038A, S1216A.
Identifiers: ClinVar variation 631191 (VCV000631191.5), dbSNP rs1561586013, ClinGen allele CA16029225.